The following is an entry in ClinVar:

NM_198578.4(LRRK2):c.6082G>A (p.Gly2028Arg)

Gene: LRRK2 (leucine rich repeat kinase 2; plus strand). Cytogenetic location: 12q12.
Variant type: single nucleotide variant.
Coding change: c.6082G>A on transcript NM_198578.4 (MANE Select); coding-DNA position 6082, G replaced by A.
Protein change: p.Gly2028Arg; replaces glycine 2028 with arginine.
Molecular consequence: missense variant.
Genome position (GRCh38, 1-based): chr12:40,340,427, G>A. VCF-style: chr12-40340427-G-A. GRCh37 (hg19) VCF-style: chr12-40734229-G-A.
Other names: short protein forms G2028R.
Identifiers: ClinVar variation 3540688 (VCV003540688.1).
Genomic context (GRCh38, chr12:40,340,427, plus strand): 5'-AATGCTGCCATCATTGCAAAGATTGCTGACTACGGCATTGCTCAGTACTGCTGTAGAATG[G>A]GGATAAAAACATCAGAGGGCACACCAGGTAGGTGATCAGGTCTGTCTCATAATTCTATCT-3'
Protein context (NP_940980.4, residues 2018-2038): YGIAQYCCRM[Gly2028Arg]IKTSEGTPGF

ClinVar aggregate classification (germline): Uncertain significance (1 of 4 stars; one submission).

Conditions:
Inborn genetic diseases. Identifiers: MedGen C0950123, MeSH D030342.

gnomAD v4.1: 1 of 1,613,800 alleles (0.000062%); highest among the groups gnomAD compares: South Asian, 0.0011%; no homozygotes.

Submission:

Ambry Genetics
Classification: Uncertain significance for Inborn genetic diseases. Last evaluated: 2024-09-21. Review status: criteria provided, single submitter. Criteria: Ambry Variant Classification Scheme 2023. Collection method: clinical testing. Allele origin: germline.
Comment: The p.G2028R variant (also known as c.6082G>A), located in coding exon 41 of the LRRK2 gene, results from a G to A substitution at nucleotide position 6082. The glycine at codon 2028 is replaced by arginine, an amino acid with dissimilar properties. This amino acid position is conserved. In addition, this alteration is predicted to be deleterious by in silico analysis. Based on the available evidence, the clinical significance of this variant remains unclear.